The following is an entry in ClinVar:

NM_001127221.2(CACNA1A):c.5590G>A (p.Gly1864Ser)

Gene: CACNA1A (calcium voltage-gated channel subunit alpha1 A; minus strand). Cytogenetic location: 19p13.13.
Variant type: single nucleotide variant.
Coding change: c.5590G>A on transcript NM_001127221.2 (MANE Plus Clinical); coding-DNA position 5590, G replaced by A.
Protein change: p.Gly1864Ser; replaces glycine 1864 with serine.
Molecular consequence: missense variant. On other transcripts: intron variant (4).
Genome position (GRCh38, 1-based): chr19:13,228,737, C>T on the plus strand (G>A on the coding strand, the complement: CACNA1A is on the minus strand). VCF-style: chr19-13228737-C-T. GRCh37 (hg19) VCF-style: chr19-13339551-C-T.
Other names: c.5529-1210G>A (NM_001127222.2); c.5538-1210G>A (NM_001174080.2); c.5547-1210G>A (NM_000068.4, NM_023035.3); short protein forms G1864S.
Identifiers: ClinVar variation 571669 (VCV000571669.12), dbSNP rs1001063428, ClinGen allele CA305511703.
Genomic context (GRCh38, chr19:13,228,737, plus strand): 5'-CAGGTTTTAGTGGAAGTCAAACCTTGCAAGCAACCCTATGAGGACATTTCTTGCCTAAGC[C>T]GAGAGGGGGAGATATTACTCGTAATAAACTGTACATATCCTTATAATGAATCCGACCGCT-3'
Protein context (NP_001120693.1, residues 1854-1874): SLLRVISPPL[Gly1864Ser]LGKKCPHRVA

ClinVar aggregate classification (germline): Uncertain significance. Review status: criteria provided, multiple submitters, no conflicts (2 of 4 stars). 2 submissions from 2 submitters: Uncertain significance (2). Last evaluated 2025-07-30.

Conditions:
Episodic ataxia type 2 (EA2). Also called: ACETAZOLAMIDE-RESPONSIVE HEREDITARY PAROXYSMAL CEREBELLAR ATAXIA; CEREBELLAR ATAXIA, PAROXYSMAL, ACETAZOLAMIDE-RESPONSIVE; CEREBELLOPATHY, HEREDITARY PAROXYSMAL; EPISODIC ATAXIA, NYSTAGMUS-ASSOCIATED; ATAXIA, EPISODIC, WITH NYSTAGMUS; ATAXIA, FAMILIAL PAROXYSMAL. Identifiers: Orphanet 97, MedGen C1720416, MONDO:0007163, OMIM 108500.
Developmental and epileptic encephalopathy, 42 (DEE42A). Also called: DEVELOPMENTAL AND EPILEPTIC ENCEPHALOPATHY 42A; EPILEPTIC ENCEPHALOPATHY, EARLY INFANTILE, 42A; Epileptic encephalopathy, early infantile, 42. Identifiers: MedGen C4310716, MONDO:0014917, OMIM 617106.

Allele frequency attached by ClinVar (database versions not stated): gnomAD exomes 0.00001.
gnomAD v4.1: 7 of 1,601,340 alleles (0.00044%); highest among the groups gnomAD compares: South Asian, 0.0011%; no homozygotes.

Submissions (2):

Labcorp Genetics (formerly Invitae), Labcorp
Classification: Uncertain significance for Developmental and epileptic encephalopathy, 42; Episodic ataxia type 2. Last evaluated: 2025-07-30. Review status: criteria provided, single submitter. Criteria: Invitae Variant Classification Sherloc (09022015). Collection method: clinical testing. Allele origin: germline.
Comment: This sequence change replaces glycine, which is neutral and non-polar, with serine, which is neutral and polar, at codon 1864 of the CACNA1A protein (p.Gly1864Ser). This variant is not present in population databases (gnomAD no frequency). This variant has not been reported in the literature in individuals affected with CACNA1A-related conditions. ClinVar contains an entry for this variant (Variation ID: 571669). Invitae Evidence Modeling of protein sequence and biophysical properties (such as structural, functional, and spatial information, amino acid conservation, physicochemical variation, residue mobility, and thermodynamic stability) has been performed for this missense variant. However, the output from this modeling did not meet the statistical confidence thresholds required to predict the impact of this variant on CACNA1A protein function. In summary, the available evidence is currently insufficient to determine the role of this variant in disease. Therefore, it has been classified as a Variant of Uncertain Significance.

GeneDx
Classification: Uncertain significance. Last evaluated: 2022-11-17. Review status: criteria provided, single submitter. Criteria: GeneDx Variant Classification Process June 2021. Collection method: clinical testing. Allele origin: germline. Affected: yes.
Comment: Not observed in large population cohorts (gnomAD); In silico analysis supports that this missense variant has a deleterious effect on protein structure/function; Has not been previously published as pathogenic or benign to our knowledge